The following is an entry in ClinVar:

NC_000021.9:g.45498480G>A

Genes: COL18A1 (collagen type XVIII alpha 1 chain; plus strand), SLC19A1 (solute carrier family 19 member 1; minus strand). Cytogenetic location: 21q22.3.
Variant type: single nucleotide variant.
Molecular consequence: intron variant (on NM_001379500.1).
Genome position: GRCh38 VCF-style: chr21-45498480-G-A. GRCh37 (hg19) VCF-style: chr21-46918394-G-A.
Other names: c.2683+819G>A (NM_001379500.1); c.3928+819G>A (NM_130444.3); c.3223+819G>A (NM_030582.4).
Identifiers: ClinVar variation 3250536 (VCV003250536.18), dbSNP rs557888995.

ClinVar aggregate classification (germline): Likely benign (1 of 4 stars; one submission).

Allele frequency attached by ClinVar (database versions not stated): 1000 Genomes Project 0.00040; gnomAD exomes 0.00040; ExAC 0.00042; 1000 Genomes Project 30x 0.00047; TOPMed 0.00049; gnomAD 0.00061.
gnomAD v4.1: 327 of 712,764 alleles (0.046%); highest among the groups gnomAD compares: Middle Eastern, 0.89%; 1 homozygote.

Submission:

CeGaT Center for Human Genetics Tuebingen
Classification: Likely benign. Last evaluated: 2024-07-01. Review status: criteria provided, single submitter. Criteria: CeGaT Center For Human Genetics Tuebingen Variant Classification Criteria Version 2. Collection method: clinical testing. Allele origin: germline. Affected: yes. Observed: 1 variant allele.
Comment: SLC19A1: BP4